The following is an entry in ClinVar:

NM_001371986.1(UNC80):c.4227C>A (p.His1409Gln)

Gene: UNC80 (unc-80 subunit of NALCN channel complex; plus strand). Cytogenetic location: 2q34.
Variant type: single nucleotide variant.
Coding change: c.4227C>A on transcript NM_001371986.1 (MANE Select); coding-DNA position 4227, C replaced by A.
Protein change: p.His1409Gln; replaces histidine 1409 with glutamine.
Molecular consequence: missense variant.
Genome position (GRCh38, 1-based): chr2:209,888,211, C>A. VCF-style: chr2-209888211-C-A. GRCh37 (hg19) VCF-style: chr2-210752935-C-A.
Other names: c.4233C>A, p.His1411Gln (NM_032504.2); c.4218C>A, p.His1406Gln (NM_182587.4); short protein forms H1409Q, H1411Q, H1406Q.
Identifiers: ClinVar variation 1510355 (VCV001510355.8), dbSNP rs2124907427, ClinGen allele CA350750057.

ClinVar aggregate classification (germline): Uncertain significance (1 of 4 stars; one submission).

Submission:

Labcorp Genetics (formerly Invitae), Labcorp
Classification: Uncertain significance. Last evaluated: 2021-06-13. Review status: criteria provided, single submitter. Criteria: Invitae Variant Classification Sherloc (09022015). Collection method: clinical testing. Allele origin: germline.
Comment: Algorithms developed to predict the effect of missense changes on protein structure and function are either unavailable or do not agree on the potential impact of this missense change (SIFT: "Not Available"; PolyPhen-2: "Benign"; Align-GVGD: "Not Available"). In summary, the available evidence is currently insufficient to determine the role of this variant in disease. Therefore, it has been classified as a Variant of Uncertain Significance. This variant has not been reported in the literature in individuals with UNC80-related conditions. This variant is not present in population databases (ExAC no frequency). This sequence change replaces histidine with glutamine at codon 1411 of the UNC80 protein (p.His1411Gln). The histidine residue is weakly conserved and there is a small physicochemical difference between histidine and glutamine.